The following is an entry in ClinVar:

ClinVar aggregate classification (germline): Uncertain significance. Review status: criteria provided, multiple submitters, no conflicts (2 of 4 stars). 6 submissions from 6 submitters: Uncertain significance (6). Last evaluated 2025-07-02.

Conditions:
Usher syndrome type 1 (USH1). Also called: RETINITIS PIGMENTOSA AND CONGENITAL DEAFNESS. Identifiers: Orphanet 231169, Orphanet 886, MedGen C1568247, MONDO:0010168, OMIM 276900.

Allele frequency attached by ClinVar (database versions not stated): gnomAD 0.00009 and 0.00011; gnomAD exomes 0.00011 and 0.00014; ExAC 0.00012; TOPMed 0.00014; ESP Exome Variant Server 0.00023; 1000 Genomes Project 0.00040; 1000 Genomes Project 30x 0.00047.
gnomAD v4.1: 225 of 1,607,202 alleles (0.014%); highest among the groups gnomAD compares: Admixed American, 0.025%; no homozygotes.

Submissions (6):

GeneDx
Classification: Uncertain significance. Last evaluated: 2025-07-02. Review status: criteria provided, single submitter. Criteria: GeneDx Variant Classification Process June 2021. Collection method: clinical testing. Allele origin: germline. Affected: yes.
Comment: Identified in a patient with clinical diagnosis of blindness and classified as a variant of uncertain significance in published literature (PMID: 32483926); In silico analysis supports that this missense variant has a deleterious effect on protein structure/function; This variant is associated with the following publications: (PMID: 24767429, 32483926)

Blueprint Genetics
Classification: Uncertain significance. Last evaluated: 2024-10-07. Review status: criteria provided, single submitter. Criteria: ACMG Guidelines, 2015. Collection method: clinical testing. Allele origin: germline.

Labcorp Genetics (formerly Invitae), Labcorp
Classification: Uncertain significance. Last evaluated: 2022-10-07. Review status: criteria provided, single submitter. Criteria: Invitae Variant Classification Sherloc (09022015). Collection method: clinical testing. Allele origin: germline.
Comment: This sequence change replaces arginine, which is basic and polar, with histidine, which is basic and polar, at codon 1010 of the CDH23 protein (p.Arg1010His). This variant is present in population databases (rs370107953, gnomAD 0.02%). This variant has not been reported in the literature in individuals affected with CDH23-related conditions. ClinVar contains an entry for this variant (Variation ID: 1696385). Advanced modeling of protein sequence and biophysical properties (such as structural, functional, and spatial information, amino acid conservation, physicochemical variation, residue mobility, and thermodynamic stability) performed at Invitae indicates that this missense variant is not expected to disrupt CDH23 protein function. In summary, the available evidence is currently insufficient to determine the role of this variant in disease. Therefore, it has been classified as a Variant of Uncertain Significance.

Revvity Omics, Revvity
Classification: Uncertain significance. Last evaluated: 2022-08-29. Review status: criteria provided, single submitter. Criteria: ACMG Guidelines, 2015. Collection method: clinical testing. Allele origin: germline.

Women's Health and Genetics/Laboratory Corporation of America, LabCorp
Classification: Uncertain significance. Last evaluated: 2022-05-17. Review status: criteria provided, single submitter. Criteria: LabCorp Variant Classification Summary - May 2015. Collection method: clinical testing. Allele origin: germline.
Comment: Variant summary: CDH23 c.3029G>A (p.Arg1010His) results in a non-conservative amino acid change in the encoded protein sequence. Three of five in-silico tools predict a damaging effect of the variant on protein function. The variant allele was found at a frequency of 0.00011 in 235424 control chromosomes. This frequency is not significantly higher than expected for a pathogenic variant in CDH23 causing Usher Syndrome (0.00011 vs 0.0032), allowing no conclusion about variant significance. To our knowledge, no occurrence of c.3029G>A in individuals affected with Usher Syndrome and no experimental evidence demonstrating its impact on protein function have been reported. No clinical diagnostic laboratories have submitted clinical-significance assessments for this variant to ClinVar after 2014. Based on the evidence outlined above, the variant was classified as uncertain significance.

Department of Pathology and Laboratory Medicine, Sinai Health System
Classification: Uncertain significance for Usher syndrome type 1. Last evaluated: 2021-09-01. Review status: criteria provided, single submitter. Criteria: ACMG Guidelines, 2015. Collection method: research. Allele origin: germline.

NM_022124.6(CDH23):c.3029G>A (p.Arg1010His)

Gene: CDH23 (cadherin related 23; plus strand). Cytogenetic location: 10q22.1.
Variant type: single nucleotide variant.
Coding change: c.3029G>A on transcript NM_022124.6 (MANE Select); coding-DNA position 3029, G replaced by A.
Protein change: p.Arg1010His; replaces arginine 1010 with histidine.
Molecular consequence: missense variant.
Genome position (GRCh38, 1-based): chr10:71,706,972, G>A. VCF-style: chr10-71706972-G-A. GRCh37 (hg19) VCF-style: chr10-73466729-G-A.
Other names: c.3029G>A, p.Arg1010His (NM_001171930.2, NM_001171931.2); short protein forms R1010H.
Identifiers: ClinVar variation 1696385 (VCV001696385.9), dbSNP rs370107953, ClinGen allele CA5544426.